The following is an entry in ClinVar:

NM_003835.4(RGS9):c.70G>A (p.Val24Met)

Gene: RGS9 (regulator of G protein signaling 9; plus strand). Cytogenetic location: 17q24.1.
Variant type: single nucleotide variant.
Coding change: c.70G>A on transcript NM_003835.4 (MANE Select); coding-DNA position 70, G replaced by A.
Protein change: p.Val24Met; replaces valine 24 with methionine.
Molecular consequence: missense variant.
Genome position (GRCh38, 1-based): chr17:65,153,434, G>A. VCF-style: chr17-65153434-G-A. GRCh37 (hg19) VCF-style: chr17-63149552-G-A.
Other names: c.70G>A, p.Val24Met (NM_001081955.3, NM_001165933.2); short protein forms V24M.
Identifiers: ClinVar variation 1475188 (VCV001475188.5), dbSNP rs376615302, ClinGen allele CA8717479.

ClinVar aggregate classification (germline): Uncertain significance (1 of 4 stars; one submission).

Allele frequency attached by ClinVar (database versions not stated): gnomAD exomes 0.00001 and 0.00002; ExAC 0.00002; TOPMed 0.00003; gnomAD 0.00005; ESP Exome Variant Server 0.00008; 1000 Genomes Project 0.00020; 1000 Genomes Project 30x 0.00031.

Submission:

Labcorp Genetics (formerly Invitae), Labcorp
Classification: Uncertain significance. Last evaluated: 2021-08-28. Review status: criteria provided, single submitter. Criteria: Invitae Variant Classification Sherloc (09022015). Collection method: clinical testing. Allele origin: germline.
Comment: This sequence change replaces valine with methionine at codon 24 of the RGS9 protein (p.Val24Met). The valine residue is moderately conserved and there is a small physicochemical difference between valine and methionine. This variant is present in population databases (rs376615302, ExAC 0.01%). This variant has not been reported in the literature in individuals affected with RGS9-related conditions. Algorithms developed to predict the effect of missense changes on protein structure and function are either unavailable or do not agree on the potential impact of this missense change (SIFT: "Deleterious"; PolyPhen-2: "Benign"; Align-GVGD: "Class C0"). In summary, the available evidence is currently insufficient to determine the role of this variant in disease. Therefore, it has been classified as a Variant of Uncertain Significance.